The following is an entry in ClinVar:

ClinVar aggregate classification (germline): Pathogenic/Likely pathogenic. Review status: criteria provided, multiple submitters, no conflicts (2 of 4 stars). 2 submissions from 2 submitters: Pathogenic (1); Likely pathogenic (1). Last evaluated 2024-09-16.

Conditions:
Ichthyosis vulgaris. Also called: Dominant ichthyosis vulgaris; ICHTHYOSIS SIMPLEX. Identifiers: MedGen C0079584, MONDO:0024304, OMIM 146700.

gnomAD v4.1: 34 of 1,613,794 alleles (0.0021%); highest among the groups gnomAD compares: Admixed American, 0.0033%; no homozygotes.

Submissions (2):

GeneDx
Classification: Pathogenic. Last evaluated: 2024-09-16. Review status: criteria provided, single submitter. Criteria: GeneDx Variant Classification Process June 2021. Collection method: clinical testing. Allele origin: germline. Affected: yes.
Comment: Reported in individuals with atopic dermatitis (PMID: 31365035); Nonsense variant predicted to result in protein truncation, as the last 2674 amino acids are lost, and other loss-of-function variants have been reported downstream in HGMD; This variant is associated with the following publications: (PMID: 31365035)

Pittsburgh Clinical Genomics Laboratory, University of Pittsburgh Medical Center
Classification: Likely pathogenic for Ichthyosis vulgaris. Last evaluated: 2023-11-15. Review status: criteria provided, single submitter. Criteria: ACMG Guidelines, 2015. Collection method: clinical testing. Allele origin: germline. Inheritance: Autosomal unknown. Affected: yes.
Comment: This sequence variant is a single nucleotide substitution (C>T) in the last of the 3 exons in the FLG gene that changes Arg1388 to an early termination codon.This variant is expected to truncate the FLG encoded profilaggrin protein thereby disrupting C terminal domain; loss of the C terminal domain prevents processing profilaggrin into filaggrin monomers, generating a loss of function variant (PMID: 17417636, 22071473). This variant is absent from ClinVar and has been observed in individuals affected by atopic dermatitis (PMID: 31365035). This variant is present in 16 of 403388 alleles (0.0040%) in the gnomAD population dataset. Haploinsufficiency in FLG is a known mechanism of disease. Based upon the evidence, we consider this variant to be likely pathogenic. ACMG Criteria: PM2, PVS1

Literature cited by the submitters: PubMed 17417636 (cited by Pittsburgh Clinical Genomics Laboratory, University of Pittsburgh Medical Center); PubMed 31365035 (cited by Pittsburgh Clinical Genomics Laboratory, University of Pittsburgh Medical Center); PubMed 22071473 (cited by Pittsburgh Clinical Genomics Laboratory, University of Pittsburgh Medical Center).

NM_002016.2(FLG):c.4162C>T (p.Arg1388Ter)

Genes: CCDST (cervical cancer associated DHX9 suppressive transcript; plus strand), FLG (filaggrin; minus strand). Cytogenetic location: 1q21.3.
Variant type: single nucleotide variant.
Coding change: c.4162C>T on transcript NM_002016.2 (MANE Select); coding-DNA position 4162, C replaced by T.
Protein change: p.Arg1388Ter; replaces arginine 1388 with a stop codon.
Molecular consequence: nonsense.
Genome position (GRCh38, 1-based): chr1:152,310,724, G>A on the plus strand (C>T on the coding strand, the complement: FLG is on the minus strand). VCF-style: chr1-152310724-G-A. GRCh37 (hg19) VCF-style: chr1-152283200-G-A.
Other names: short protein forms R1388*.
Identifiers: ClinVar variation 3376405 (VCV003376405.2).